The following is an entry in ClinVar:

ClinVar aggregate classification (germline): Uncertain significance. Review status: criteria provided, multiple submitters, no conflicts (2 of 4 stars). 4 submissions from 4 submitters: Uncertain significance (4). Last evaluated 2026-07-12.

Conditions:
PCNT-related disorder. Also called: PCNT-related condition.
Inborn genetic diseases. Identifiers: MedGen C0950123, MeSH D030342.
Microcephalic osteodysplastic primordial dwarfism type II (MOPD2). Also called: Microcephalic osteodysplastic primordial dwarfism with tooth abnormalities; MOPD II; OSTEODYSPLASTIC PRIMORDIAL DWARFISM, TYPE II. Identifiers: Orphanet 2637, MedGen C0432246, MONDO:0008872, OMIM 210720.

Allele frequency attached by ClinVar (database versions not stated): TOPMed 0.00006; gnomAD 0.00007.
gnomAD v4.1: 127 of 1,604,888 alleles (0.0079%); highest among the groups gnomAD compares: Non-Finnish European, 0.01%; no homozygotes.

Submissions (4):

PreventionGenetics, part of Exact Sciences
Classification: Uncertain significance for PCNT-related condition. Last evaluated: 2026-07-12. Review status: criteria provided, single submitter. Criteria: ACMG Guidelines, 2015. Collection method: clinical testing. Allele origin: germline.
Comment: The PCNT c.505C>T variant is predicted to result in the amino acid substitution p.Arg169Cys. To our knowledge, this variant has not been reported in the literature. This variant is reported in 0.010% of alleles in individuals of European (non-Finnish) descent in gnomAD. An alternate missense change at the same amino acid position (p.Arg169His) has been reported in the homozygous state, along with another homozygous variant in POMT2 gene, in an individual with microcephaly, mild intellectual disabilities and epilepsy (Hesse et al. 2018. PubMed ID: 29778030). At this time, the clinical significance of this variant is uncertain due to the absence of conclusive functional and genetic evidence.

Ambry Genetics
Classification: Uncertain significance for Inborn genetic diseases. Last evaluated: 2025-01-14. Review status: criteria provided, single submitter. Criteria: Ambry Variant Classification Scheme 2023. Collection method: clinical testing. Allele origin: germline.

Labcorp Genetics (formerly Invitae), Labcorp
Classification: Uncertain significance. Last evaluated: 2024-05-06. Review status: criteria provided, single submitter. Criteria: Invitae Variant Classification Sherloc (09022015). Collection method: clinical testing. Allele origin: germline.
Comment: This sequence change replaces arginine, which is basic and polar, with cysteine, which is neutral and slightly polar, at codon 169 of the PCNT protein (p.Arg169Cys). This variant is present in population databases (rs748260212, gnomAD 0.009%). This variant has not been reported in the literature in individuals affected with PCNT-related conditions. ClinVar contains an entry for this variant (Variation ID: 896698). An algorithm developed to predict the effect of missense changes on protein structure and function (PolyPhen-2) suggests that this variant is likely to be disruptive. In summary, the available evidence is currently insufficient to determine the role of this variant in disease. Therefore, it has been classified as a Variant of Uncertain Significance.

Illumina Laboratory Services, Illumina
Classification: Uncertain significance for Microcephalic osteodysplastic primordial dwarfism type II. Last evaluated: 2018-04-06. Review status: criteria provided, single submitter. Criteria: ICSL Variant Classification Criteria 13 December 2019. Collection method: clinical testing. Allele origin: germline.

NM_006031.6(PCNT):c.505C>T (p.Arg169Cys)

Gene: PCNT (pericentrin; plus strand). Cytogenetic location: 21q22.3.
Variant type: single nucleotide variant.
Coding change: c.505C>T on transcript NM_006031.6 (MANE Select); coding-DNA position 505, C replaced by T.
Protein change: p.Arg169Cys; replaces arginine 169 with cysteine.
Molecular consequence: missense variant.
Genome position (GRCh38, 1-based): chr21:46,334,634, C>T. VCF-style: chr21-46334634-C-T. GRCh37 (hg19) VCF-style: chr21-47754548-C-T.
Other names: c.151C>T, p.Arg51Cys (NM_001315529.2); short protein forms R51C, R169C.
Identifiers: ClinVar variation 896698 (VCV000896698.12), dbSNP rs748260212, ClinGen allele CA10078280.